The following is an entry in ClinVar:

NM_000089.4(COL1A2):c.793G>C (p.Gly265Arg)

Gene: COL1A2 (collagen type I alpha 2 chain; plus strand). Cytogenetic location: 7q21.3.
Variant type: single nucleotide variant.
Coding change: c.793G>C on transcript NM_000089.4 (MANE Select); coding-DNA position 793, G replaced by C.
Protein change: p.Gly265Arg; replaces glycine 265 with arginine.
Molecular consequence: missense variant.
Genome position (GRCh38, 1-based): chr7:94,409,322, G>C. VCF-style: chr7-94409322-G-C. GRCh37 (hg19) VCF-style: chr7-94038634-G-C.
Other names: c.793G>C (LRG_2t1); short protein forms G265R.
Identifiers: ClinVar variation 425660 (VCV000425660.6), dbSNP rs1114167417, ClinGen allele CA368220540.
Genomic context (GRCh38, chr7:94,409,322, plus strand): 5'-AAACAGATATGCTGTTTCATTATTTGCTGGTTAATTCCTTGGTTTAATTTCCTCTTTTAG[G>C]GTGAAATTGGAGCTGTTGGTAACGCTGGTCCTGCTGGTCCCGCCGGTCCCCGTGGTGAAG-3'
Protein context (NP_000080.2, residues 255-275): PGFPGAPGPK[Gly265Arg]EIGAVGNAGP

ClinVar aggregate classification (germline): Pathogenic. Review status: criteria provided, single submitter (1 of 4 stars). 2 submissions from 2 submitters: Pathogenic (1). 1 of the submissions does not count toward it. Last evaluated 2022-08-20.

Conditions:
Ehlers-Danlos syndrome, classic type, 1 (EDSCL1). Also called: EHLERS-DANLOS SYNDROME, GRAVIS TYPE; EHLERS-DANLOS SYNDROME, SEVERE CLASSIC TYPE; EDS I; Ehlers-Danlos Syndrome, Classic Type, COL5A1-Related; Ehlers-Danlos syndrome, type 1. Identifiers: MedGen C0268335, MONDO:0019567, OMIM 130000.
Osteogenesis imperfecta type I (OI1). Also called: OI, TYPE I; OSTEOGENESIS IMPERFECTA TARDA; OSTEOGENESIS IMPERFECTA WITH BLUE SCLERAE; Classic Non-deforming Osteogenesis Imperfecta with Blue Sclerae; Lobstein disease; Osteogenesis imperfecta type 1. Identifiers: Orphanet 216796, Orphanet 666, MedGen C0023931, MONDO:0008146, OMIM 166200. Disease mechanism: loss of function.

Submissions (2):

Labcorp Genetics (formerly Invitae), Labcorp
Classification: Pathogenic for Osteogenesis imperfecta type I; Ehlers-Danlos syndrome, classic type, 1. Last evaluated: 2022-08-20. Review status: criteria provided, single submitter. Criteria: Invitae Variant Classification Sherloc (09022015). Collection method: clinical testing. Allele origin: germline.
Comment: For these reasons, this variant has been classified as Pathogenic. This variant disrupts the triple helix domain of COL1A2. Glycine residues within the Gly-Xaa-Yaa repeats of the triple helix domain are required for the structure and stability of fibrillar collagens (PMID: 7695699, 8218237, 19344236). In COL1A2, variants affecting these glycine residues are significantly enriched in individuals with disease (PMID: 9016532, 17078022) compared to the general population (ExAC). Algorithms developed to predict the effect of missense changes on protein structure and function are either unavailable or do not agree on the potential impact of this missense change (SIFT: "Deleterious"; PolyPhen-2: "Not Available"; Align-GVGD: "Class C65"). ClinVar contains an entry for this variant (Variation ID: 425660). This missense change has been observed in individual(s) with autosomal dominant osteogenesis imperfecta (PMID: 26177859). This variant is not present in population databases (gnomAD no frequency). This sequence change replaces glycine, which is neutral and non-polar, with arginine, which is basic and polar, at codon 265 of the COL1A2 protein (p.Gly265Arg).

Department of Medical Sciences, Uppsala University
Classification: Pathogenic for OI type I. Review status: no assertion criteria provided. Collection method: clinical testing. Allele origin: maternal. Affected: yes. Observed: 1 variant allele. Not counted in ClinVar's aggregate classification.

Literature cited by the submitters: PubMed 7695699 (cited by Labcorp Genetics (formerly Invitae), Labcorp); PubMed 8218237 (cited by Labcorp Genetics (formerly Invitae), Labcorp); PubMed 19344236 (cited by Labcorp Genetics (formerly Invitae), Labcorp); PubMed 9016532 (cited by Labcorp Genetics (formerly Invitae), Labcorp); PubMed 17078022 (cited by Labcorp Genetics (formerly Invitae), Labcorp); PubMed 26177859 (cited by Labcorp Genetics (formerly Invitae), Labcorp); PubMed 25944380 (cited by Department of Medical Sciences, Uppsala University).